The following is an entry in ClinVar:

ClinVar aggregate classification (germline): Benign/Likely benign. Review status: criteria provided, multiple submitters, no conflicts (2 of 4 stars). 6 submissions from 6 submitters: Benign (3); Likely benign (2). 1 of the submissions does not count toward it. Last evaluated 2026-06-01.

Conditions:
Inborn genetic diseases. Identifiers: MedGen C0950123, MeSH D030342.
DNM1-related disorder. Also called: DNM1-related condition.
Developmental and epileptic encephalopathy, 31A. Also called: Epileptic encephalopathy, early infantile, 31; Developmental and epileptic encephalopathy, 31. Identifiers: Orphanet 2382, MedGen C4225357, MONDO:0014598, OMIM 616346.

Allele frequency attached by ClinVar (database versions not stated): gnomAD exomes 0.00047; ExAC 0.00061; 1000 Genomes Project 0.00160; ESP Exome Variant Server 0.00177; gnomAD 0.00178 and 0.00186; 1000 Genomes Project 30x 0.00187; TOPMed 0.00193.
gnomAD v4.1: 532 of 1,613,986 alleles (0.033%); highest among the groups gnomAD compares: African/African-American, 0.61%; 3 homozygotes.

Submissions (6):

CeGaT Center for Human Genetics Tuebingen
Classification: Likely benign. Last evaluated: 2026-06-01. Review status: criteria provided, single submitter. Criteria: CeGaT Center For Human Genetics Tuebingen Variant Classification Criteria Version 2. Collection method: clinical testing. Allele origin: germline. Affected: yes. Observed: 3 variant alleles.
Comment: DNM1: BP4, BP7

Labcorp Genetics (formerly Invitae), Labcorp
Classification: Benign for Developmental and epileptic encephalopathy, 31A. Last evaluated: 2025-12-19. Review status: criteria provided, single submitter. Criteria: Invitae Variant Classification Sherloc (09022015). Collection method: clinical testing. Allele origin: germline.

Blueprint Genetics
Classification: Likely benign. Last evaluated: 2024-11-25. Review status: criteria provided, single submitter. Criteria: ACMG Guidelines, 2015. Collection method: clinical testing. Allele origin: germline.

GeneDx
Classification: Benign. Last evaluated: 2016-05-05. Review status: criteria provided, single submitter. Criteria: GeneDx Variant Classification (06012015). Collection method: clinical testing. Allele origin: germline. Affected: yes.
Comment: This variant is considered likely benign or benign based on one or more of the following criteria: it is a conservative change, it occurs at a poorly conserved position in the protein, it is predicted to be benign by multiple in silico algorithms, and/or has population frequency not consistent with disease.

Ambry Genetics
Classification: Benign for Inborn genetic diseases. Last evaluated: 2016-03-18. Review status: criteria provided, single submitter. Criteria: Ambry Variant Classification Scheme 2023. Collection method: clinical testing. Allele origin: germline.

PreventionGenetics, part of Exact Sciences
Classification: Benign for DNM1-related condition. Last evaluated: 2020-10-27. Review status: no assertion criteria provided. Collection method: clinical testing. Allele origin: germline. Not counted in ClinVar's aggregate classification.
Comment: This variant is classified as benign based on ACMG/AMP sequence variant interpretation guidelines (Richards et al. 2015 PMID: 25741868, with internal and published modifications).

NM_004408.4(DNM1):c.1764C>T (p.Leu588=)

Gene: DNM1 (dynamin 1; plus strand). Cytogenetic location: 9q34.11.
Variant type: single nucleotide variant.
Coding change: c.1764C>T on transcript NM_004408.4 (MANE Select); coding-DNA position 1764, C replaced by T.
Protein change: p.Leu588=; no amino-acid change (leucine 588 retained).
Molecular consequence: synonymous variant.
Genome position (GRCh38, 1-based): chr9:128,246,486, C>T. VCF-style: chr9-128246486-C-T. GRCh37 (hg19) VCF-style: chr9-131008765-C-T.
Other names: c.1764C>T, p.Leu588= (NM_001005336.3, NM_001288737.2, NM_001288738.2 and 1 more transcripts).
Identifiers: ClinVar variation 383871 (VCV000383871.33), dbSNP rs111534551, ClinGen allele CA5258328.